The following is an entry in ClinVar:

ClinVar aggregate classification (germline): Uncertain significance (1 of 4 stars; one submission).

Allele frequency attached by ClinVar (database versions not stated): gnomAD exomes below 0.00001; TOPMed below 0.00001.
gnomAD v4.1: 4 of 1,613,612 alleles (0.00025%); highest among the groups gnomAD compares: South Asian, 0.0022%; no homozygotes.

Submission:

GeneDx
Classification: Uncertain significance. Last evaluated: 2019-03-20. Review status: criteria provided, single submitter. Criteria: GeneDx Variant Classification Process June 2021. Collection method: clinical testing. Allele origin: germline. Affected: yes.
Comment: Has not been previously published as pathogenic or benign to our knowledge; Not observed in large population cohorts (Lek et al., 2016); In silico analysis, which includes splice predictors and evolutionary conservation, supports that this variant does not alter protein structure/function; Missense variant in a gene in which most reported pathogenic variants are truncating/loss-of-function; Located in the A-band of the titin protein where the majority of pathogenic truncating variants have been reported

NM_001267550.2(TTN):c.75215T>C (p.Val25072Ala)

Genes: TTN (titin; minus strand), TTN-AS1 (TTN antisense RNA 1; plus strand). Cytogenetic location: 2q31.2.
Variant type: single nucleotide variant.
Coding change: c.75215T>C on transcript NM_001267550.2 (MANE Select); coding-DNA position 75215, T replaced by C.
Protein change: p.Val25072Ala; replaces valine 25072 with alanine.
Molecular consequence: missense variant.
Genome position (GRCh38, 1-based): chr2:178,570,917, A>G on the plus strand (T>C on the coding strand, the complement: TTN is on the minus strand). VCF-style: chr2-178570917-A-G. GRCh37 (hg19) VCF-style: chr2-179435644-A-G.
Other names: c.70292T>C, p.Val23431Ala (NM_001256850.1); c.48020T>C, p.Val16007Ala (NM_003319.4); c.67511T>C, p.Val22504Ala (NM_133378.4); c.48395T>C, p.Val16132Ala (NM_133432.3); c.48596T>C, p.Val16199Ala (NM_133437.4); short protein forms V16007A, V16132A, V16199A, V22504A, V23431A, V25072A.
Identifiers: ClinVar variation 1223804 (VCV001223804.3), dbSNP rs1707961422, ClinGen allele CA349627948.